The following is an entry in ClinVar:

NM_002951.5(RPN2):c.1490A>G (p.Asn497Ser)

Gene: RPN2 (ribophorin II; plus strand). Cytogenetic location: 20q11.23.
Variant type: single nucleotide variant.
Coding change: c.1490A>G on transcript NM_002951.5 (MANE Select); coding-DNA position 1490, A replaced by G.
Protein change: p.Asn497Ser; replaces asparagine 497 with serine.
Molecular consequence: missense variant.
Genome position (GRCh38, 1-based): chr20:37,228,740, A>G. VCF-style: chr20-37228740-A-G. GRCh37 (hg19) VCF-style: chr20-35857143-A-G.
Other names: c.1394A>G, p.Asn465Ser (NM_001135771.3); c.1490A>G, p.Asn497Ser (NM_001324299.2, NM_001324302.2, NM_001324303.2 and 1 more transcripts); c.1538A>G, p.Asn513Ser (NM_001324301.2, NM_001324305.2); c.1019A>G, p.Asn340Ser (NM_001324306.2); c.1490A>G (NM_002951.3); short protein forms N340S, N497S, N465S, N513S.
Identifiers: ClinVar variation 3707861 (VCV003707861.3).

ClinVar aggregate classification (germline): Uncertain significance. Review status: criteria provided, multiple submitters, no conflicts (2 of 4 stars). 2 submissions from 2 submitters: Uncertain significance (2). Last evaluated 2025-10-15.

Conditions:
Congenital disorder of glycosylation (CDG). Also called: Carbohydrate-deficient glycoprotein syndrome; Congenital disorders of glycosylation. Identifiers: Orphanet 137, MedGen C0282577, MONDO:0015286.

gnomAD v4.1: 41 of 1,613,994 alleles (0.0025%); highest among the groups gnomAD compares: Non-Finnish European, 0.0034%; no homozygotes.

Submissions (2):

Ambry Genetics
Classification: Uncertain significance. Last evaluated: 2025-10-15. Review status: criteria provided, single submitter. Criteria: Ambry Variant Classification Scheme 2023. Collection method: clinical testing. Allele origin: germline.

Labcorp Genetics (formerly Invitae), Labcorp
Classification: Uncertain significance for Congenital disorder of glycosylation. Last evaluated: 2024-12-04. Review status: criteria provided, single submitter. Criteria: Invitae Variant Classification Sherloc (09022015). Collection method: clinical testing. Allele origin: germline.
Comment: This sequence change replaces asparagine, which is neutral and polar, with serine, which is neutral and polar, at codon 497 of the RPN2 protein (p.Asn497Ser). This variant is present in population databases (rs200954865, gnomAD 0.002%). This variant has not been reported in the literature in individuals affected with RPN2-related conditions. An algorithm developed to predict the effect of missense changes on protein structure and function (PolyPhen-2) suggests that this variant is likely to be disruptive. Algorithms developed to predict the effect of sequence changes on RNA splicing suggest that this variant may create or strengthen a splice site. In summary, the available evidence is currently insufficient to determine the role of this variant in disease. Therefore, it has been classified as a Variant of Uncertain Significance.